The following is an entry in ClinVar:

NM_032776.3(JMJD1C):c.1264G>A (p.Ala422Thr)

Gene: JMJD1C (jumonji domain containing 1C; minus strand). Cytogenetic location: 10q21.3.
Variant type: single nucleotide variant.
Coding change: c.1264G>A on transcript NM_032776.3 (MANE Select); coding-DNA position 1264, G replaced by A.
Protein change: p.Ala422Thr; replaces alanine 422 with threonine.
Molecular consequence: missense variant. On other transcripts: non-coding transcript variant (1).
Genome position (GRCh38, 1-based): chr10:63,214,903, C>T on the plus strand (G>A on the coding strand, the complement: JMJD1C is on the minus strand). VCF-style: chr10-63214903-C-T. GRCh37 (hg19) VCF-style: chr10-64974663-C-T.
Other names: c.718G>A, p.Ala240Thr (NM_001282948.2, NM_001318154.2); c.400G>A, p.Ala134Thr (NM_001318153.2); c.1150G>A, p.Ala384Thr (NM_001322252.2); c.607G>A, p.Ala203Thr (NM_001322254.2, NM_001322258.2); short protein forms A203T, A384T, A240T, A134T, A422T.
Identifiers: ClinVar variation 852542 (VCV000852542.9), dbSNP rs1847802823, ClinGen allele CA377050180.

ClinVar aggregate classification (germline): Uncertain significance (1 of 4 stars; one submission).

Conditions:
Early Myoclonic Encephalopathy. Identifiers: MedGen C0270855.

Submission:

Labcorp Genetics (formerly Invitae), Labcorp
Classification: Uncertain significance for Early Myoclonic Encephalopathy. Last evaluated: 2019-03-06. Review status: criteria provided, single submitter. Criteria: Invitae Variant Classification Sherloc (09022015). Collection method: clinical testing. Allele origin: germline.
Comment: In summary, the available evidence is currently insufficient to determine the role of this variant in disease. Therefore, it has been classified as a Variant of Uncertain Significance. Algorithms developed to predict the effect of missense changes on protein structure and function output the following: SIFT: "Tolerated"; PolyPhen-2: "Benign"; Align-GVGD: "Class C0". The threonine amino acid residue is found in multiple mammalian species, suggesting that this missense change does not adversely affect protein function. These predictions have not been confirmed by published functional studies and their clinical significance is uncertain. This variant has not been reported in the literature in individuals with JMJD1C-related conditions. This variant is not present in population databases (ExAC no frequency). This sequence change replaces alanine with threonine at codon 422 of the JMJD1C protein (p.Ala422Thr). The alanine residue is weakly conserved and there is a small physicochemical difference between alanine and threonine.